The following is an entry in ClinVar:

NM_001378418.1(TCF20):c.5482G>A (p.Val1828Met)

Gene: TCF20 (transcription factor 20; minus strand). Cytogenetic location: 22q13.2.
Variant type: single nucleotide variant.
Coding change: c.5482G>A on transcript NM_001378418.1 (MANE Select); coding-DNA position 5482, G replaced by A.
Protein change: p.Val1828Met; replaces valine 1828 with methionine.
Molecular consequence: missense variant.
Genome position (GRCh38, 1-based): chr22:42,209,824, C>T on the plus strand (G>A on the coding strand, the complement: TCF20 is on the minus strand). VCF-style: chr22-42209824-C-T. GRCh37 (hg19) VCF-style: chr22-42605830-C-T.
Other names: c.5482G>A, p.Val1828Met (NM_005650.4, NM_181492.3); short protein forms V1828M.
Identifiers: ClinVar variation 4690695 (VCV004690695.1).

ClinVar aggregate classification (germline): Uncertain significance (1 of 4 stars; one submission).

gnomAD v4.1: 16 of 1,614,026 alleles (0.00099%); highest among the groups gnomAD compares: African/African-American, 0.0027%; no homozygotes.

Submission:

Labcorp Genetics (formerly Invitae), Labcorp
Classification: Uncertain significance. Last evaluated: 2025-05-12. Review status: criteria provided, single submitter. Criteria: Invitae Variant Classification Sherloc (09022015). Collection method: clinical testing. Allele origin: germline.
Comment: This sequence change replaces valine, which is neutral and non-polar, with methionine, which is neutral and non-polar, at codon 1828 of the TCF20 protein (p.Val1828Met). This variant is present in population databases (no rsID available, gnomAD 0.003%). This variant has not been reported in the literature in individuals affected with TCF20-related conditions. An algorithm developed to predict the effect of missense changes on protein structure and function outputs the following: PolyPhen-2: "Benign". The methionine amino acid residue is found in multiple mammalian species, which suggests that this missense change does not adversely affect protein function. In summary, the available evidence is currently insufficient to determine the role of this variant in disease. Therefore, it has been classified as a Variant of Uncertain Significance.